The following is an entry in ClinVar:

ClinVar aggregate classification (germline): Uncertain significance. Review status: criteria provided, multiple submitters, no conflicts (2 of 4 stars). 3 submissions from 3 submitters: Uncertain significance (3). Last evaluated 2026-08-14.

Conditions:
Peroxisome biogenesis disorder. Identifiers: Orphanet 79189, MedGen C1832200, MONDO:0019234. Disease mechanism: loss of function.
PEX6-related disorder. Also called: PEX6-related disorders; PEX6-related condition.

Allele frequency attached by ClinVar (database versions not stated): gnomAD exomes below 0.00001 and 0.00001; ExAC 0.00001.
gnomAD v4.1: 3 of 1,613,584 alleles (0.00019%); highest among the groups gnomAD compares: East Asian, 0.0022%; no homozygotes.

Submissions (3):

PreventionGenetics, part of Exact Sciences
Classification: Uncertain significance for PEX6-related condition. Last evaluated: 2026-08-14. Review status: criteria provided, single submitter. Criteria: ACMG Guidelines, 2015. Collection method: clinical testing. Allele origin: germline.
Comment: The PEX6 c.1688G>A variant is predicted to result in the amino acid substitution p.Ser563Asn. To our knowledge, this variant has not been reported in the literature. This variant is reported in 0.0065% of alleles in individuals of South Asian descent in gnomAD. At this time, the clinical significance of this variant is uncertain due to the absence of conclusive functional and genetic evidence.

Labcorp Genetics (formerly Invitae), Labcorp
Classification: Uncertain significance for Peroxisome biogenesis disorder. Last evaluated: 2024-10-24. Review status: criteria provided, single submitter. Criteria: Invitae Variant Classification Sherloc (09022015). Collection method: clinical testing. Allele origin: germline.
Comment: This sequence change replaces serine, which is neutral and polar, with asparagine, which is neutral and polar, at codon 563 of the PEX6 protein (p.Ser563Asn). This variant also falls at the last nucleotide of exon 7, which is part of the consensus splice site for this exon. This variant is present in population databases (rs768025730, gnomAD 0.006%). This variant has not been reported in the literature in individuals affected with PEX6-related conditions. ClinVar contains an entry for this variant (Variation ID: 1446975). An algorithm developed to predict the effect of missense changes on protein structure and function (PolyPhen-2) suggests that this variant¬†is likely to be tolerated. Variants that disrupt the consensus splice site are a relatively common cause of aberrant splicing (PMID: 17576681, 9536098). Algorithms developed to predict the effect of sequence changes on RNA splicing suggest that this variant may disrupt the consensus splice site. In summary, the available evidence is currently insufficient to determine the role of this variant in disease. Therefore, it has been classified as a Variant of Uncertain Significance.

Blueprint Genetics
Classification: Uncertain significance. Last evaluated: 2020-05-18. Review status: criteria provided, single submitter. Criteria: ACMG Guidelines, 2015. Collection method: clinical testing. Allele origin: germline.

Literature cited by the submitters: PubMed 17576681 (cited by Labcorp Genetics (formerly Invitae), Labcorp); PubMed 9536098 (cited by Labcorp Genetics (formerly Invitae), Labcorp).

NM_000287.4(PEX6):c.1688G>A (p.Ser563Asn)

Gene: PEX6 (peroxisomal biogenesis factor 6; minus strand). Cytogenetic location: 6p21.1.
Variant type: single nucleotide variant.
Coding change: c.1688G>A on transcript NM_000287.4 (MANE Select); coding-DNA position 1688, G replaced by A.
Protein change: p.Ser563Asn; replaces serine 563 with asparagine.
Molecular consequence: missense variant. On other transcripts: non-coding transcript variant (1).
Genome position (GRCh38, 1-based): chr6:42,968,290, C>T on the plus strand (G>A on the coding strand, the complement: PEX6 is on the minus strand). VCF-style: chr6-42968290-C-T. GRCh37 (hg19) VCF-style: chr6-42936028-C-T.
Other names: c.1424G>A, p.Ser475Asn (NM_001316313.2); c.1688G>A (NM_000287.3); short protein forms S475N, S563N.
Identifiers: ClinVar variation 1446975 (VCV001446975.6), dbSNP rs768025730, ClinGen allele CA3811265.
Genomic context (GRCh38, chr6:42,968,290, plus strand): 5'-GTGAGCCACCGCGCCCAGCCGGCCCCCCCAGCTTTGAGAGGCCCAGCTCTGTATAAGTAC[C>T]TGTTGAGGGGGTCCTCATTGAGGAGGAGGTGACGCAGCACAGCCATCACACGGGCATCCT-3'
Protein context (NP_000278.3, residues 553-573): HLLLNEDPLN[Ser563Asn]CPPLMVVATT